The following is an entry in ClinVar:

ClinVar aggregate classification (germline): Pathogenic (1 of 4 stars; one submission).

Submission:

GeneDx
Classification: Pathogenic. Last evaluated: 2019-11-25. Review status: criteria provided, single submitter. Criteria: GeneDx Variant Classification Process June 2021. Collection method: clinical testing. Allele origin: germline. Affected: yes.
Comment: Frameshift variant predicted to result in protein truncation or nonsense mediated decay in a gene for which loss-of-function is a known mechanism of disease; Not observed in large population cohorts (Lek et al., 2016); Has not been previously published as pathogenic or benign to our knowledge

NM_144672.4(OTOA):c.1221del (p.Glu408fs)

Gene: OTOA (otoancorin). Cytogenetic location: 16p12.2.
Variant type: Deletion.
Coding change: c.1221del on transcript NM_144672.4 (MANE Select); coding-DNA position 1221, one base deleted.
Protein change: p.Glu408fs; shifts the reading frame from glutamic acid 408.
Molecular consequence: frameshift variant.
Genome position: GRCh38 VCF-style: chr16-21709999-TC-T. GRCh37 (hg19) VCF-style: chr16-21721320-TC-T.
Other names: c.984del, p.Glu329fs (NM_001161683.2); c.249del, p.Glu84fs (NM_170664.3); short protein forms E329fs, E408fs, E84fs.
Identifiers: ClinVar variation 1194317 (VCV001194317.2), dbSNP rs2141688617, ClinGen allele CA2499223395.
Genomic context (GRCh38, chr16:21,709,999, plus strand): 5'-ACCCTGGGTTCTTTGTCGGATGCAGTTGTAGGTTTGACCTACAGCCAACTGGAATCCCTC[TC>T]CCCCGAGGCTGTGCACGGAGCCATCTCCACCCTCAACCAGGTCTCAGGTTGGGCCAAGAG-3'